The following is an entry in ClinVar:

ClinVar aggregate classification (germline): Uncertain significance (1 of 4 stars; one submission).

Submission:

GeneDx
Classification: Uncertain significance. Last evaluated: 2022-02-15. Review status: criteria provided, single submitter. Criteria: GeneDx Variant Classification Process June 2021. Collection method: clinical testing. Allele origin: germline. Affected: yes.
Comment: Not observed at significant frequency in large population cohorts (gnomAD); In silico analysis supports that this missense variant does not alter protein structure/function; Has not been previously published as pathogenic or benign to our knowledge

NM_014629.4(ARHGEF10):c.403G>A (p.Val135Met)

Gene: ARHGEF10 (Rho guanine nucleotide exchange factor 10; plus strand). Cytogenetic location: 8p23.3.
Variant type: single nucleotide variant.
Coding change: c.403G>A on transcript NM_014629.4 (MANE Select); coding-DNA position 403, G replaced by A.
Protein change: p.Val135Met; replaces valine 135 with methionine.
Molecular consequence: missense variant.
Genome position (GRCh38, 1-based): chr8:1,860,106, G>A. VCF-style: chr8-1860106-G-A. GRCh37 (hg19) VCF-style: chr8-1808272-G-A.
Other names: c.403G>A, p.Val135Met (NM_001308152.2, NM_001308153.3); short protein forms V135M, V159M.
Identifiers: ClinVar variation 1700982 (VCV001700982.2), dbSNP rs2129075111, ClinGen allele CA369955875.